The following is an entry in ClinVar:

ClinVar aggregate classification (germline): Uncertain significance (1 of 4 stars; one submission).

gnomAD v4.1: 1 of 1,599,288 alleles (0.000063%); highest among the groups gnomAD compares: East Asian, 0.0023%; no homozygotes.

Submission:

Labcorp Genetics (formerly Invitae), Labcorp
Classification: Uncertain significance. Last evaluated: 2022-04-09. Review status: criteria provided, single submitter. Criteria: Invitae Variant Classification Sherloc (09022015). Collection method: clinical testing. Allele origin: germline.
Comment: This variant is present in population databases (rs782360487, gnomAD 0.006%). This sequence change replaces proline, which is neutral and non-polar, with arginine, which is basic and polar, at codon 2655 of the BPTF protein (p.Pro2655Arg). This variant has not been reported in the literature in individuals affected with BPTF-related conditions. In summary, the available evidence is currently insufficient to determine the role of this variant in disease. Therefore, it has been classified as a Variant of Uncertain Significance. Algorithms developed to predict the effect of missense changes on protein structure and function output the following: SIFT: "Tolerated"; PolyPhen-2: "Benign"; Align-GVGD: "Class C0". The arginine amino acid residue is found in multiple mammalian species, which suggests that this missense change does not adversely affect protein function.

NM_182641.4(BPTF):c.8015C>G (p.Pro2672Arg)

Gene: BPTF (bromodomain PHD finger transcription factor; plus strand). Cytogenetic location: 17q24.2.
Variant type: single nucleotide variant.
Coding change: c.8015C>G on transcript NM_182641.4 (MANE Select); coding-DNA position 8015, C replaced by G.
Protein change: p.Pro2672Arg; replaces proline 2672 with arginine.
Molecular consequence: missense variant.
Genome position (GRCh38, 1-based): chr17:67,959,629, C>G. VCF-style: chr17-67959629-C-G. GRCh37 (hg19) VCF-style: chr17-65955745-C-G.
Other names: c.7964C>G, p.Pro2655Arg (NM_004459.7); short protein forms P2655R, P2672R.
Identifiers: ClinVar variation 2102129 (VCV002102129.4), dbSNP rs782360487, ClinGen allele CA8726485.